The following is an entry in ClinVar:

NM_001349884.2(DRAM2):c.439C>T (p.Gln147Ter)

Gene: DRAM2 (DNA damage regulated autophagy modulator 2; minus strand). Cytogenetic location: 1p13.3.
Variant type: single nucleotide variant.
Coding change: c.439C>T on transcript NM_001349884.2 (MANE Select); coding-DNA position 439, C replaced by T.
Protein change: p.Gln147Ter; replaces glutamine 147 with a stop codon.
Molecular consequence: nonsense. On other transcripts: non-coding transcript variant (8).
Genome position (GRCh38, 1-based): chr1:111,120,594, G>A on the plus strand (C>T on the coding strand, the complement: DRAM2 is on the minus strand). VCF-style: chr1-111120594-G-A. GRCh37 (hg19) VCF-style: chr1-111663216-G-A.
Other names: c.439C>T, p.Gln147Ter (NM_001349881.2, NM_001349882.2, NM_001349885.2 and 1 more transcripts); c.169C>T, p.Gln57Ter (NM_001349886.2, NM_001349887.2, NM_001349888.2); c.49C>T, p.Gln17Ter (NM_001349889.2, NM_001349890.2, NM_001349891.2 and 2 more transcripts); short protein forms Q57*, Q147*, Q17*.
Identifiers: ClinVar variation 2972496 (VCV002972496.4), dbSNP rs2524698132, ClinGen allele CA341818904.

ClinVar aggregate classification (germline): Pathogenic/Likely pathogenic. Review status: criteria provided, multiple submitters, no conflicts (2 of 4 stars). 2 submissions from 2 submitters: Pathogenic (1); Likely pathogenic (1). Last evaluated 2025-07-19.

Conditions:
DRAM2-related disorder. Also called: DRAM2-related condition.

Allele frequency attached by ClinVar (database versions not stated): gnomAD exomes 0.00001.

Submissions (2):

Labcorp Genetics (formerly Invitae), Labcorp
Classification: Pathogenic. Last evaluated: 2025-07-19. Review status: criteria provided, single submitter. Criteria: Invitae Variant Classification Sherloc (09022015). Collection method: clinical testing. Allele origin: germline.
Comment: This sequence change creates a premature translational stop signal (p.Gln147*) in the DRAM2 gene. It is expected to result in an absent or disrupted protein product. Loss-of-function variants in DRAM2 are known to be pathogenic (PMID: 25983245). This variant is not present in population databases (gnomAD no frequency). This variant has not been reported in the literature in individuals affected with DRAM2-related conditions. ClinVar contains an entry for this variant (Variation ID: 2972496). For these reasons, this variant has been classified as Pathogenic.

Blueprint Genetics
Classification: Likely pathogenic for DRAM2-related disorders. Last evaluated: 2021-10-28. Review status: criteria provided, single submitter. Criteria: ACMG Guidelines, 2015. Collection method: clinical testing. Allele origin: germline. Affected: yes. Observed: 1 variant allele.

Literature cited by the submitters: PubMed 25983245 (cited by Labcorp Genetics (formerly Invitae), Labcorp).